The following is an entry in ClinVar:

ClinVar aggregate classification (germline): Uncertain significance (1 of 4 stars; one submission).

Conditions:
Pyruvate dehydrogenase E2 deficiency (PDHDD). Also called: Dihydrolipoamide Acetyltransferase (E2) Deficiency; LACTIC ACIDEMIA DUE TO DEFECT OF E2 LIPOYL TRANSACETYLASE OF THE PYRUVATE DEHYDROGENASE COMPLEX. Identifiers: Orphanet 765, Orphanet 79244, MedGen C1855565, MONDO:0009502, OMIM 245348.

Allele frequency attached by ClinVar (database versions not stated): gnomAD exomes below 0.00001.
gnomAD v4.1: 2 of 1,614,122 alleles (0.00012%); highest among the groups gnomAD compares: Non-Finnish European, 0.00017%; no homozygotes.

Submission:

Labcorp Genetics (formerly Invitae), Labcorp
Classification: Uncertain significance for Pyruvate dehydrogenase E2 deficiency. Last evaluated: 2022-04-17. Review status: criteria provided, single submitter. Criteria: Invitae Variant Classification Sherloc (09022015). Collection method: clinical testing. Allele origin: germline.
Comment: This variant is not present in population databases (gnomAD no frequency). This variant has not been reported in the literature in individuals affected with DLAT-related conditions. Advanced modeling of protein sequence and biophysical properties (such as structural, functional, and spatial information, amino acid conservation, physicochemical variation, residue mobility, and thermodynamic stability) performed at Invitae indicates that this missense variant is not expected to disrupt DLAT protein function. In summary, the available evidence is currently insufficient to determine the role of this variant in disease. Therefore, it has been classified as a Variant of Uncertain Significance. This sequence change replaces aspartic acid, which is acidic and polar, with glycine, which is neutral and non-polar, at codon 595 of the DLAT protein (p.Asp595Gly).

NM_001931.5(DLAT):c.1784A>G (p.Asp595Gly)

Genes: DLAT (dihydrolipoamide S-acetyltransferase; plus strand), PIH1D2 (PIH1 domain containing 2; minus strand). Cytogenetic location: 11q23.1.
Variant type: single nucleotide variant.
Coding change: c.1784A>G on transcript NM_001931.5 (MANE Select); coding-DNA position 1784, A replaced by G.
Protein change: p.Asp595Gly; replaces aspartic acid 595 with glycine.
Molecular consequence: missense variant. On other transcripts: non-coding transcript variant (1).
Genome position (GRCh38, 1-based): chr11:112,061,144, A>G. VCF-style: chr11-112061144-A-G. GRCh37 (hg19) VCF-style: chr11-111931868-A-G.
Other names: c.1802A>G, p.Asp601Gly (NM_001372031.1); c.1778A>G, p.Asp593Gly (NM_001372032.1); c.1763A>G, p.Asp588Gly (NM_001372033.1); c.1751A>G, p.Asp584Gly (NM_001372034.1); c.1676A>G, p.Asp559Gly (NM_001372035.1); c.1658A>G, p.Asp553Gly (NM_001372036.1); c.1616A>G, p.Asp539Gly (NM_001372037.1); c.1505A>G, p.Asp502Gly (NM_001372038.1); and 4 more; short protein forms D490G, D588G, D601G, D502G, D553G, D559G, D584G, D454G.
Identifiers: ClinVar variation 1976304 (VCV001976304.5), dbSNP rs2498702563, ClinGen allele CA382618485.